The following is an entry in ClinVar:

ClinVar aggregate classification (germline): Likely benign. Review status: criteria provided, multiple submitters, no conflicts (2 of 4 stars). 4 submissions from 4 submitters: Likely benign (4). Last evaluated 2023-12-11.

Conditions:
Cardiovascular phenotype. Identifiers: MedGen CN230736.
Long QT syndrome (LQTS). Identifiers: MedGen C0023976, MeSH D008133, MONDO:0002442. Disease mechanism: loss of function. Inheritance: Various modes of inheritance.
Cardiac arrhythmia. Also called: Arrhythmia; Cardiac rhythm disease. Identifiers: MedGen C0003811, MONDO:0007263, HP:0011675.

Allele frequency attached by ClinVar (database versions not stated): gnomAD 0.00001; ExAC 0.00002; TOPMed 0.00002; gnomAD exomes 0.00004.
gnomAD v4.1: 44 of 1,614,040 alleles (0.0027%); highest among the groups gnomAD compares: Middle Eastern, 0.017%; no homozygotes.

Submissions (4):

Labcorp Genetics (formerly Invitae), Labcorp
Classification: Likely benign for Long QT syndrome. Last evaluated: 2023-12-11. Review status: criteria provided, single submitter. Criteria: Invitae Variant Classification Sherloc (09022015). Collection method: clinical testing. Allele origin: germline.

All of Us Research Program, National Institutes of Health
Classification: Likely benign for Long QT syndrome. Last evaluated: 2023-12-01. Review status: criteria provided, single submitter. Criteria: ACMG Guidelines, 2015. Collection method: clinical testing. Allele origin: germline. Inheritance: Autosomal dominant inheritance. Observed: 5 variant alleles, 5 heterozygotes.
Comment: This study involves interpretation of variants in research participants for the purpose of population health screening. Participant phenotype was not available at the time of variant classification. Additional details can be found in publication PMID: 35346344, PMCID: PMC8962531

Ambry Genetics
Classification: Likely benign for Cardiovascular phenotype. Last evaluated: 2022-03-12. Review status: criteria provided, single submitter. Criteria: Ambry Variant Classification Scheme 2023. Collection method: clinical testing. Allele origin: germline.

Color Diagnostics, LLC DBA Color Health
Classification: Likely benign for Arrhythmia. Last evaluated: 2018-07-20. Review status: criteria provided, single submitter. Criteria: ACMG Guidelines, 2015. Collection method: clinical testing. Allele origin: germline.

NM_000238.4(KCNH2):c.966C>T (p.Ser322=)

Gene: KCNH2 (potassium voltage-gated channel subfamily H member 2; minus strand). Cytogenetic location: 7q36.1.
Variant type: single nucleotide variant.
Coding change: c.966C>T on transcript NM_000238.4 (MANE Select); coding-DNA position 966, C replaced by T.
Protein change: p.Ser322=; no amino-acid change (serine 322 retained).
Molecular consequence: synonymous variant. On other transcripts: non-coding transcript variant (1).
Genome position (GRCh38, 1-based): chr7:150,957,453, G>A on the plus strand (C>T on the coding strand, the complement: KCNH2 is on the minus strand). VCF-style: chr7-150957453-G-A. GRCh37 (hg19) VCF-style: chr7-150654541-G-A.
Other names: c.678C>T, p.Ser226= (NM_001406753.1, NM_001406756.1); c.789C>T, p.Ser263= (NM_001406755.1); c.666C>T, p.Ser222= (NM_001406757.1); c.966C>T, p.Ser322= (NM_172056.3).
Identifiers: ClinVar variation 919598 (VCV000919598.16), dbSNP rs200290864, ClinGen allele CA041217.